The following is an entry in ClinVar:

ClinVar aggregate classification (germline): Uncertain significance (1 of 4 stars; one submission).

Allele frequency attached by ClinVar (database versions not stated): gnomAD 0.00001; gnomAD exomes 0.00001; TOPMed 0.00001.
gnomAD v4.1: 13 of 1,394,502 alleles (0.00093%); highest among the groups gnomAD compares: Non-Finnish European, 0.0012%; no homozygotes.

Submission:

GeneDx
Classification: Uncertain significance. Last evaluated: 2019-10-31. Review status: criteria provided, single submitter. Criteria: GeneDx Variant Classification Process June 2021. Collection method: clinical testing. Allele origin: germline. Affected: yes.
Comment: In silico analysis, which includes protein predictors and evolutionary conservation, supports a deleterious effect; Has not been previously published as pathogenic or benign to our knowledge

NM_002972.4(SBF1):c.4051G>A (p.Ala1351Thr)

Gene: SBF1 (SET binding factor 1; minus strand). Cytogenetic location: 22q13.33.
Variant type: single nucleotide variant.
Coding change: c.4051G>A on transcript NM_002972.4 (MANE Select); coding-DNA position 4051, G replaced by A.
Protein change: p.Ala1351Thr; replaces alanine 1351 with threonine.
Molecular consequence: missense variant.
Genome position (GRCh38, 1-based): chr22:50,456,527, C>T on the plus strand (G>A on the coding strand, the complement: SBF1 is on the minus strand). VCF-style: chr22-50456527-C-T. GRCh37 (hg19) VCF-style: chr22-50894956-C-T.
Other names: c.3976G>A, p.Ala1326Thr (NM_001365819.1); short protein forms A1326T, A1351T.
Identifiers: ClinVar variation 1309360 (VCV001309360.2), dbSNP rs1048835538, ClinGen allele CA325528963.